The following is an entry in ClinVar:

ClinVar aggregate classification (germline): Conflicting classifications of pathogenicity. Review status: criteria provided, conflicting classifications (1 of 4 stars). 2 submissions from 2 submitters: Likely pathogenic (1); Uncertain significance (1). Last evaluated 2025-09-08.

Conditions:
Hereditary breast ovarian cancer syndrome. Also called: Hereditary breast and/or ovarian cancer syndrome; BRCA1- and BRCA2-Associated Hereditary Breast and Ovarian Cancer; Hereditary breast and ovarian cancer syndrome; Hereditary breast and ovarian cancer; Hereditary breast and ovarian cancer syndrome (HBOC); Breast and ovarian cancer. Identifiers: Orphanet 145, MedGen C0677776, MeSH D061325, MONDO:0003582. Disease mechanism: loss of function.
Hereditary cancer-predisposing syndrome. Also called: Tumor predisposition; Hereditary Cancer Syndrome; Hereditary neoplastic syndrome; Neoplastic Syndromes, Hereditary. Identifiers: Orphanet 140162, MedGen C0027672, MeSH D009386, MONDO:0015356.

Submissions (3):

Ambry Genetics
Classification: Likely pathogenic for Hereditary cancer-predisposing syndrome. Last evaluated: 2025-09-08. Review status: criteria provided, single submitter. Criteria: Ambry Variant Classification Scheme 2023. Collection method: clinical testing. Allele origin: germline.
Comment: The p.M48R variant (also known as c.143T>G), located in coding exon 3 of the BRCA1 gene, results from a T to G substitution at nucleotide position 143. The methionine at codon 48 is replaced by arginine, an amino acid with similar properties. One functional study found that this nucleotide substitution is non-functional in a high throughput genome editing haploid cell survival assay (Findlay GM et al. Nature, 2018 Oct;562:217-222). This amino acid position is highly conserved in available vertebrate species. In addition, this alteration is predicted to be deleterious by in silico analysis. This variant is considered to be rare based on population cohorts in the Genome Aggregation Database (gnomAD). Based on the majority of available evidence to date, this variant is likely to be pathogenic.

Labcorp Genetics (formerly Invitae), Labcorp
Classification: Uncertain significance for Hereditary breast ovarian cancer syndrome. Last evaluated: 2022-11-15. Review status: criteria provided, single submitter. Criteria: Invitae Variant Classification Sherloc (09022015). Collection method: clinical testing. Allele origin: germline.
Comment: This variant is not present in population databases (gnomAD no frequency). This sequence change replaces methionine, which is neutral and non-polar, with arginine, which is basic and polar, at codon 48 of the BRCA1 protein (p.Met48Arg). In summary, the available evidence is currently insufficient to determine the role of this variant in disease. Therefore, it has been classified as a Variant of Uncertain Significance. Advanced modeling performed at Invitae incorporating data from internal and/or published experimental studies (PMID: 30209399) indicates that this missense variant is expected to disrupt BRCA1 function. ClinVar contains an entry for this variant (Variation ID: 867270). This variant has not been reported in the literature in individuals affected with BRCA1-related conditions.

Brotman Baty Institute, University of Washington
No classification provided (evidence only). Condition: Breast-ovarian cancer, familial 1. Review status: no classification provided. Collection method: in vitro. Allele origin: not applicable. Functional consequence: functionally_abnormal. Not counted in ClinVar's aggregate classification.
ClinVar note: "not provided" was previously submitted as the classification for the variant. However, the classification appeared to be based only on an observation of functional data so it was converted to no classification on 2025-07-30.

Literature cited by the submitters: PubMed 30209399 (cited by Ambry Genetics and Labcorp Genetics (formerly Invitae), Labcorp).

NM_007294.4(BRCA1):c.143T>G (p.Met48Arg)

Gene: BRCA1 (BRCA1 DNA repair associated; minus strand). Cytogenetic location: 17q21.31.
Variant type: single nucleotide variant.
Coding change: c.143T>G on transcript NM_007294.4 (MANE Select); coding-DNA position 143, T replaced by G.
Protein change: p.Met48Arg; replaces methionine 48 with arginine.
Molecular consequence: missense variant. On other transcripts: initiator codon variant (1), non-coding transcript variant (1).
Genome position (GRCh38, 1-based): chr17:43,106,525, A>C on the plus strand (T>G on the coding strand, the complement: BRCA1 is on the minus strand). VCF-style: chr17-43106525-A-C. GRCh37 (hg19) VCF-style: chr17-41258542-A-C.
Other names: c.-46T>G (NM_001407571.1, NM_001407879.1, NM_001407881.1 and 58 more transcripts); c.143T>G, p.Met48Arg (NM_001407581.1, NM_001407582.1, NM_001407583.1 and 168 more transcripts); c.2T>G, p.Met1Arg (NM_001407692.1, NM_001407694.1, NM_001407695.1 and 99 more transcripts); short protein forms M48R, M1R.
Identifiers: ClinVar variation 867270 (VCV000867270.10), dbSNP rs1230532866, ClinGen allele CA10601868.